The following is an entry in ClinVar:

NM_001384732.1(CPLANE1):c.3199A>C (p.Ile1067Leu)

Gene: CPLANE1 (ciliogenesis and planar polarity effector complex subunit 1; minus strand). Cytogenetic location: 5p13.2.
Variant type: single nucleotide variant.
Coding change: c.3199A>C on transcript NM_001384732.1 (MANE Select); coding-DNA position 3199, A replaced by C.
Protein change: p.Ile1067Leu; replaces isoleucine 1067 with leucine.
Molecular consequence: missense variant.
Genome position (GRCh38, 1-based): chr5:37,205,405, T>G on the plus strand (A>C on the coding strand, the complement: CPLANE1 is on the minus strand). VCF-style: chr5-37205405-T-G. GRCh37 (hg19) VCF-style: chr5-37205507-T-G.
Other names: c.3199A>C, p.Ile1067Leu (NM_023073.4); short protein forms I1067L.
Identifiers: ClinVar variation 3635377 (VCV003635377.3).
Genomic context (GRCh38, chr5:37,205,405, plus strand): 5'-CATTTTTTGCTTCCAAAGAGGCTGGTTGACCTAAAACACACTGCAGTTTTTCCTGAAAAA[T>G]CTGTGCTGGAGTCATACGGAGTGGTAGATTCAGACTCTTTTTCTTGGACCTGAAATGACA-3'
Protein context (NP_001371661.1, residues 1057-1077): NLPLRMTPAQ[Ile1067Leu]FQEKLQCVLG

ClinVar aggregate classification (germline): Uncertain significance. Review status: criteria provided, multiple submitters, no conflicts (2 of 4 stars). 2 submissions from 2 submitters: Uncertain significance (2). Last evaluated 2025-05-14.

Conditions:
Hematuria, benign familial, 1 (BFH1). Also called: THIN MEMBRANE NEPHROPATHY. Identifiers: MedGen CN376803, MONDO:0007709, OMIM 141200.

Submissions (2):

Johns Hopkins Genomics, Johns Hopkins University
Classification: Uncertain significance for Hematuria, benign familial, 1. Last evaluated: 2025-05-14. Review status: criteria provided, single submitter. Criteria: ACMG Guidelines, 2015. Collection method: clinical testing. Allele origin: germline.
Comment: This CPLANE1 missense variant in absent from a large population dataset, but has been reported in ClinVar (Variation ID: 3635377). It has not been reported in the literature, to our knowledge. Of three bioinformatics tools queried, two predict that the substitution would be possibly damaging, while one predicts that it would be tolerated. The isoleucine residue at this position is evolutionarily conserved across most mammalian species assessed. We consider the clinical significance of CPLANE1 c.3199A>C to be uncertain at this time.

Labcorp Genetics (formerly Invitae), Labcorp
Classification: Uncertain significance. Last evaluated: 2024-09-03. Review status: criteria provided, single submitter. Criteria: Invitae Variant Classification Sherloc (09022015). Collection method: clinical testing. Allele origin: germline.
Comment: This sequence change replaces isoleucine, which is neutral and non-polar, with leucine, which is neutral and non-polar, at codon 1067 of the CPLANE1 protein (p.Ile1067Leu). This variant is not present in population databases (gnomAD no frequency). This variant has not been reported in the literature in individuals affected with CPLANE1-related conditions. Invitae Evidence Modeling of protein sequence and biophysical properties (such as structural, functional, and spatial information, amino acid conservation, physicochemical variation, residue mobility, and thermodynamic stability) indicates that this missense variant is not expected to disrupt CPLANE1 protein function with a negative predictive value of 95%. In summary, the available evidence is currently insufficient to determine the role of this variant in disease. Therefore, it has been classified as a Variant of Uncertain Significance.